The following is an entry in ClinVar:

NM_004006.3(DMD):c.8543A>G (p.His2848Arg)

Gene: DMD (dystrophin; minus strand). Cytogenetic location: Xp21.2.
Variant type: single nucleotide variant.
Coding change: c.8543A>G on transcript NM_004006.3 (MANE Select); coding-DNA position 8543, A replaced by G.
Protein change: p.His2848Arg; replaces histidine 2848 with arginine.
Molecular consequence: missense variant.
Genome position (GRCh38, 1-based): chrX:31,496,792, T>C on the plus strand (A>G on the coding strand, the complement: DMD is on the minus strand). VCF-style: chrX-31496792-T-C. GRCh37 (hg19) VCF-style: chrX-31514909-T-C.
Other names: c.8519A>G, p.His2840Arg (NM_000109.4); c.8531A>G, p.His2844Arg (NM_004009.3); c.8174A>G, p.His2725Arg (NM_004010.3); c.4520A>G, p.His1507Arg (NM_004011.4); c.4511A>G, p.His1504Arg (NM_004012.4); c.1163A>G, p.His388Arg (NM_004013.3, NM_004020.4, NM_004021.3 and 2 more transcripts); c.356A>G, p.His119Arg (NM_004014.3); short protein forms H119R, H2848R, H1504R, H2725R, H1507R, H2840R, H2844R, H388R.
Identifiers: ClinVar variation 955530 (VCV000955530.10), dbSNP rs146890210, ClinGen allele CA10378055.

ClinVar aggregate classification (germline): Conflicting classifications of pathogenicity. Review status: criteria provided, conflicting classifications (1 of 4 stars). 3 submissions from 3 submitters: Uncertain significance (1); Likely benign (1). 1 of the submissions does not count toward it. Last evaluated 2026-01-26.

Conditions:
Cardiovascular phenotype. Identifiers: MedGen CN230736.
Duchenne muscular dystrophy (DMD). Also called: MUSCULAR DYSTROPHY, PSEUDOHYPERTROPHIC PROGRESSIVE, DUCHENNE TYPE; Duchenne Muscular Dystrophy (DMD). Identifiers: Orphanet 98896, MedGen C0013264, MONDO:0010679, OMIM 310200.
Dystrophin deficiency.
Becker muscular dystrophy (BMD). Also called: MUSCULAR DYSTROPHY, PSEUDOHYPERTROPHIC PROGRESSIVE, BECKER TYPE; Becker Muscular Dystrophy (BMD). Identifiers: Orphanet 98895, MedGen C0917713, MONDO:0010311, OMIM 300376.
Cardiomyopathy (CMYO). Also called: Cardiomyopathies. Identifiers: Orphanet 167848, MedGen C0878544, MONDO:0004994, HP:0001638. Inheritance: Various modes of inheritance.

Allele frequency attached by ClinVar (database versions not stated): ExAC 0.00002; gnomAD 0.00002; gnomAD exomes 0.00002; TOPMed 0.00005; ESP Exome Variant Server 0.00019.
gnomAD v4.1: 19 of 1,210,960 alleles (0.0016%); highest among the groups gnomAD compares: African/African-American, 0.012%; no homozygotes.

Submissions (3):

Labcorp Genetics (formerly Invitae), Labcorp
Classification: Likely benign for Duchenne muscular dystrophy. Last evaluated: 2026-01-26. Review status: criteria provided, single submitter. Criteria: Invitae Variant Classification Sherloc (09022015). Collection method: clinical testing. Allele origin: germline.

Ambry Genetics
Classification: Uncertain significance for Cardiovascular phenotype. Last evaluated: 2025-08-28. Review status: criteria provided, single submitter. Criteria: Ambry Variant Classification Scheme 2023. Collection method: clinical testing. Allele origin: germline.
Comment: The p.H2848R variant (also known as c.8543A>G), located in coding exon 57 of the DMD gene, results from an A to G substitution at nucleotide position 8543. The histidine at codon 2848 is replaced by arginine, an amino acid with highly similar properties. This amino acid position is well conserved in available vertebrate species. In addition, the in silico prediction for this alteration is inconclusive. Based on data from gnomAD, the G allele has an overall frequency of 0.0016% (3/183384) total alleles studied, with 3 hemizygote(s) observed. The highest observed frequency was 0.0228% (3/13158) of African alleles. Based on the available evidence, the clinical significance of this variant remains unclear.

Natera, Inc.
Classification: Uncertain significance for Becker muscular dystrophy; Cardiomyopathy; Duchenne muscular dystrophy; Dystrophin deficiency. Last evaluated: 2018-10-28. Review status: no assertion criteria provided. Collection method: clinical testing. Allele origin: germline. Not counted in ClinVar's aggregate classification.